The following is an entry in ClinVar:

ClinVar aggregate classification (germline): Conflicting classifications of pathogenicity. Review status: criteria provided, conflicting classifications (1 of 4 stars). 4 submissions from 4 submitters: Uncertain significance (1); Likely benign (3). Last evaluated 2026-04-27.

Conditions:
Duane-radial ray syndrome (DRRS). Also called: ACRORENOOCULAR SYNDROME; Okihiro Syndrome; DR SYNDROME; DUANE ANOMALY WITH RADIAL RAY ABNORMALITIES AND DEAFNESS; Duane-Radial Ray Syndrome (DRRS) / Okihiro Syndrome; Duane-Radial Ray Syndrome/Okihiro Syndrome. Identifiers: Orphanet 93293, Orphanet 959, MedGen C1623209, MONDO:0011812, OMIM 607323. Disease mechanism: gain of function.

Allele frequency attached by ClinVar (database versions not stated): TOPMed 0.00002; ESP Exome Variant Server 0.00008; 1000 Genomes Project 30x 0.00047; 1000 Genomes Project 0.00060.
gnomAD v4.1: 189 of 1,614,192 alleles (0.012%); highest among the groups gnomAD compares: South Asian, 0.17%; 1 homozygote.

Submissions (4):

Women's Health and Genetics/Laboratory Corporation of America, LabCorp
Classification: Likely benign. Last evaluated: 2026-04-27. Review status: criteria provided, single submitter. Criteria: LabCorp Variant Classification Summary - May 2015. Collection method: clinical testing. Allele origin: germline.
Comment: Variant summary: SALL4 c.2977G>A (p.Gly993Arg) results in a non-conservative amino acid change in the encoded protein sequence. Algorithms developed to predict the effect of missense changes on protein structure and function all suggest that this variant is likely to be disruptive. The variant allele was found at a frequency of 0.00023 in 251482 control chromosomes, predominantly at a frequency of 0.0016 within the South Asian subpopulation in the gnomAD database. The observed variant frequency within South Asian control individuals in the gnomAD database exceeds the estimated maximal expected allele frequency for disease-causing variants in SALL4. To our knowledge, no occurrence of c.2977G>A in individuals affected with SALL4-related conditions and no experimental evidence demonstrating its impact on protein function have been reported. ClinVar contains an entry for this variant (Variation ID: 197323). Based on the evidence outlined above, the variant was classified as likely benign.

Labcorp Genetics (formerly Invitae), Labcorp
Classification: Likely benign for Duane-radial ray syndrome. Last evaluated: 2025-09-10. Review status: criteria provided, single submitter. Criteria: Invitae Variant Classification Sherloc (09022015). Collection method: clinical testing. Allele origin: germline.

Blueprint Genetics
Classification: Likely benign. Last evaluated: 2023-02-24. Review status: criteria provided, single submitter. Criteria: ACMG Guidelines, 2015. Collection method: clinical testing. Allele origin: germline.

Eurofins Ntd Llc (ga)
Classification: Uncertain significance. Last evaluated: 2015-01-15. Review status: criteria provided, single submitter. Criteria: EGL Classification Definitions 2015. Collection method: clinical testing. Allele origin: germline. Observed: 1 variant allele, 1 heterozygote.

NM_020436.5(SALL4):c.2977G>A (p.Gly993Arg)

Gene: SALL4 (spalt like transcription factor 4; minus strand). Cytogenetic location: 20q13.2.
Variant type: single nucleotide variant.
Coding change: c.2977G>A on transcript NM_020436.5 (MANE Select); coding-DNA position 2977, G replaced by A.
Protein change: p.Gly993Arg; replaces glycine 993 with arginine.
Molecular consequence: missense variant.
Genome position (GRCh38, 1-based): chr20:51,784,450, C>T on the plus strand (G>A on the coding strand, the complement: SALL4 is on the minus strand). VCF-style: chr20-51784450-C-T. GRCh37 (hg19) VCF-style: chr20-50400989-C-T.
Other names: c.1666G>A, p.Gly556Arg (NM_001318031.2); short protein forms G993R, G556R.
Identifiers: ClinVar variation 197323 (VCV000197323.11), dbSNP rs138891224, ClinGen allele CA245393.